The following is an entry in ClinVar:

NM_152743.4(BRAT1):c.2284C>T (p.Gln762Ter)

Gene: BRAT1 (BRCA1 associated ATM activator 1; minus strand). Cytogenetic location: 7p22.3.
Variant type: single nucleotide variant.
Coding change: c.2284C>T on transcript NM_152743.4 (MANE Select); coding-DNA position 2284, C replaced by T.
Protein change: p.Gln762Ter; replaces glutamine 762 with a stop codon.
Molecular consequence: nonsense. On other transcripts: non-coding transcript variant (1).
Genome position (GRCh38, 1-based): chr7:2,538,251, G>A on the plus strand (C>T on the coding strand, the complement: BRAT1 is on the minus strand). VCF-style: chr7-2538251-G-A. GRCh37 (hg19) VCF-style: chr7-2577885-G-A.
Other names: c.2464C>T, p.Gln822Ter (NM_001350626.2); c.1759C>T, p.Gln587Ter (NM_001350627.2); short protein forms Q587*, Q822*, Q762*.
Identifiers: ClinVar variation 1458796 (VCV001458796.6), dbSNP rs1778838576, ClinGen allele CA366623966.

ClinVar aggregate classification (germline): Pathogenic (1 of 4 stars; one submission).

Conditions:
Neonatal-onset encephalopathy with rigidity and seizures. Also called: Lethal neonatal spasticity-epileptic encephalopathy syndrome. Identifiers: Orphanet 435845, MedGen C3281029, MONDO:0013784, OMIM 614498.

Submission:

Labcorp Genetics (formerly Invitae), Labcorp
Classification: Pathogenic for Neonatal-onset encephalopathy with rigidity and seizures. Last evaluated: 2024-10-23. Review status: criteria provided, single submitter. Criteria: Invitae Variant Classification Sherloc (09022015). Collection method: clinical testing. Allele origin: germline.
Comment: This sequence change creates a premature translational stop signal (p.Gln762*) in the BRAT1 gene. While this is not anticipated to result in nonsense mediated decay, it is expected to disrupt the last 60 amino acid(s) of the BRAT1 protein. This variant is not present in population databases (gnomAD no frequency). This premature translational stop signal has been observed in individual(s) with epilepsy of infancy with migrating focal seizures (EIMFS) (PMID: 31618474, 31868227). In at least one individual the data is consistent with being in trans (on the opposite chromosome) from a pathogenic variant. It has also been observed to segregate with disease in related individuals. ClinVar contains an entry for this variant (Variation ID: 1458796). This variant disrupts the C-terminus of the BRAT1 protein. Other variant(s) that disrupt this region (p.Gly765Argfs*6) have been observed in individuals with BRAT1-related conditions (internal data). This suggests that this may be a clinically significant region of the protein. For these reasons, this variant has been classified as Pathogenic.

Literature cited by the submitters: PubMed 31618474; PubMed 31868227.